The following is an entry in ClinVar:

ClinVar aggregate classification (germline): Uncertain significance (0 of 4 stars; one submission).

Allele frequency attached by ClinVar (database versions not stated): gnomAD exomes below 0.00001 and 0.00001; gnomAD 0.00001.
gnomAD v4.1: 15 of 1,614,022 alleles (0.00093%); highest among the groups gnomAD compares: Non-Finnish European, 0.0011%; no homozygotes.

Submission:

Department of Pathology and Laboratory Medicine, Sinai Health System
Classification: Uncertain significance. Review status: no assertion criteria provided. Collection method: clinical testing. Allele origin: unknown. Affected: yes. Study: The Canadian Open Genetics Repository (COGR).
Comment: The FBN2 p.Asp2138Glu variant was not identified in the literature nor was it identified in ClinVar or LOVD 3.0. The variant was identified in dbSNP (ID: rs1449873424) and in control databases in 2 of 282746 chromosomes at a frequency of 0.000007073 (Genome Aggregation Database March 6, 2019, v2.1.1). The variant was observed in the following populations: Other in 1 of 7218 chromosomes (freq: 0.000139) and European (non-Finnish) in 1 of 129072 chromosomes (freq: 0.000008), but was not observed in the African, Latino, Ashkenazi Jewish, East Asian, European (Finnish) or South Asian populations. The p.Asp2138 residue is conserved in mammals and computational analyses (PolyPhen-2, SIFT, AlignGVGD, BLOSUM, MutationTaster) provide inconsistent predictions regarding the impact to the protein; this information is not very predictive of pathogenicity. The variant occurs outside of the splicing consensus sequence and in silico or computational prediction software programs (SpliceSiteFinder, MaxEntScan, NNSPLICE, GeneSplicer) do not predict a difference in splicing. In summary, based on the above information the clinical significance of this variant cannot be determined with certainty at this time. This variant is classified as a variant of uncertain significance.

NM_001999.4(FBN2):c.6414C>A (p.Asp2138Glu)

Gene: FBN2 (fibrillin 2; minus strand). Cytogenetic location: 5q23.3.
Variant type: single nucleotide variant.
Coding change: c.6414C>A on transcript NM_001999.4 (MANE Select); coding-DNA position 6414, C replaced by A.
Protein change: p.Asp2138Glu; replaces aspartic acid 2138 with glutamic acid.
Molecular consequence: missense variant.
Genome position (GRCh38, 1-based): chr5:128,290,763, G>T on the plus strand (C>A on the coding strand, the complement: FBN2 is on the minus strand). VCF-style: chr5-128290763-G-T. GRCh37 (hg19) VCF-style: chr5-127626455-G-T.
Other names: short protein forms D2138E.
Identifiers: ClinVar variation 1049657 (VCV001049657.1), dbSNP rs1449873424, ClinGen allele CA360763546.